The following is an entry in ClinVar:

NM_000503.6(EYA1):c.1425del (p.Asp476fs)

Gene: EYA1 (EYA transcriptional coactivator and phosphatase 1; minus strand). Cytogenetic location: 8q13.3.
Variant type: Deletion.
Coding change: c.1425del on transcript NM_000503.6 (MANE Select); coding-DNA position 1425, one base deleted (C; older notation c.1425delC).
Protein change: p.Asp476fs; shifts the reading frame from aspartic acid 476.
Molecular consequence: frameshift variant.
Genome position (GRCh38, 1-based): chr8:71,215,664, G deleted on the plus strand (C on the coding strand, the reverse complement: EYA1 is on the minus strand); the first of 2 consecutive G bases (chr8:71,215,664-71,215,665); deleting either gives the same sequence. VCF-style (leftmost placement, unchanged base first): chr8-71215663-CG-C. GRCh37 (hg19) VCF-style: chr8-72127898-CG-C.
Other names: c.1407del, p.Asp470fs (NM_001288574.2, NM_172059.5); c.1059del, p.Asp354fs (NM_001288575.2); c.1512del, p.Asp505fs (NM_001370333.1); c.1425del, p.Asp476fs (NM_001370334.1, NM_001370335.1, NM_172058.4); c.1404del, p.Asp469fs (NM_001370336.1); c.1425delC (NM_000503.6); short protein forms D354fs, D469fs, D470fs, D476fs, D505fs.
Identifiers: ClinVar variation 1202644 (VCV001202644.1), dbSNP rs2128850973, ClinGen allele CA2499219394.
Genomic context (GRCh38, chr8:71,215,663, plus strand): 5'-GAGAGCCTCACCGGGAGTGAATGAGCGAGAGTGCTTTCAGGGCCAGTGTCAACCAGGAGT[CG>C]GTCAGGGCTTCAATTTCGGCCCTCAACTGCAGCCAGGCTTCCCTCTTAGCTGGACCAAGC-3'

ClinVar aggregate classification (germline): Pathogenic (1 of 4 stars; one submission).

Conditions:
Branchiootic syndrome 1 (BOS1). Also called: BO SYNDROME 1; BRANCHIOOTIC DYSPLASIA. Identifiers: MedGen C1865143, MONDO:0011258, OMIM 602588.

Submission:

Precision Medicine Center, Zhengzhou University
Classification: Pathogenic for Branchiootic syndrome 1. Review status: criteria provided, single submitter. Criteria: ACMG Guidelines, 2015. Collection method: research. Allele origin: germline. Affected: yes.
Comment: PVS1, PM2, PP3, PP4